The following is an entry in ClinVar:

ClinVar aggregate classification (germline): Uncertain significance (1 of 4 stars; one submission).

Conditions:
Hereditary cancer-predisposing syndrome. Also called: Neoplastic Syndromes, Hereditary; Hereditary Cancer Syndrome; Tumor predisposition; Hereditary neoplastic syndrome. Identifiers: Orphanet 140162, MedGen C0027672, MeSH D009386, MONDO:0015356.

Submission:

Ambry Genetics
Classification: Uncertain significance for Hereditary cancer-predisposing syndrome. Last evaluated: 2025-03-07. Review status: criteria provided, single submitter. Criteria: Ambry Variant Classification Scheme 2023. Collection method: clinical testing. Allele origin: germline.
Comment: The p.S1659R variant (also known as c.4975A>C), located in coding exon 34 of the SMARCA4 gene, results from an A to C substitution at nucleotide position 4975. The serine at codon 1659 is replaced by arginine, an amino acid with dissimilar properties. This amino acid position is conserved. In addition, the in silico prediction for this alteration is inconclusive. Based on the available evidence, the clinical significance of this variant remains unclear.

NM_003072.5(SMARCA4):c.4879A>C (p.Ser1627Arg)

Gene: SMARCA4 (SWI/SNF related BAF chromatin remodeling complex subunit ATPase 4; plus strand). Cytogenetic location: 19p13.2.
Variant type: single nucleotide variant.
Coding change: c.4879A>C on transcript NM_003072.5 (MANE Select); coding-DNA position 4879, A replaced by C.
Protein change: p.Ser1627Arg; replaces serine 1627 with arginine.
Molecular consequence: missense variant. On other transcripts: non-coding transcript variant (1).
Genome position (GRCh38, 1-based): chr19:11,060,155, A>C. VCF-style: chr19-11060155-A-C. GRCh37 (hg19) VCF-style: chr19-11170831-A-C.
Other names: c.4879A>C, p.Ser1627Arg (NM_001128844.3); c.4789A>C, p.Ser1597Arg (NM_001128845.2); c.4786A>C, p.Ser1596Arg (NM_001128846.2); c.4780A>C, p.Ser1594Arg (NM_001128847.4, NM_001374457.1); c.4777A>C, p.Ser1593Arg (NM_001128848.2); c.4975A>C, p.Ser1659Arg (NM_001128849.3, NM_001387283.1); c.4876A>C, p.Ser1626Arg (NM_001411150.1); short protein forms S1594R, S1626R, S1593R, S1597R, S1627R, S1596R, S1659R.
Identifiers: ClinVar variation 3798929 (VCV003798929.1).